The following is an entry in ClinVar:

ClinVar aggregate classification (germline): Uncertain significance (1 of 4 stars; one submission).

Conditions:
Early-infantile DEE. Also called: Early infantile epileptic encephalopathy with suppression bursts; Early infantile epileptic encephalopathy; Ohtahara syndrome. Identifiers: Orphanet 1934, MedGen C0393706, MONDO:0800491.

Submission:

Labcorp Genetics (formerly Invitae), Labcorp
Classification: Uncertain significance for Early-infantile DEE. Last evaluated: 2022-07-11. Review status: criteria provided, single submitter. Criteria: Invitae Variant Classification Sherloc (09022015). Collection method: clinical testing. Allele origin: germline.
Comment: This sequence change replaces aspartic acid, which is acidic and polar, with alanine, which is neutral and non-polar, at codon 1123 of the SCN1A protein (p.Asp1123Ala). This variant is not present in population databases (gnomAD no frequency). In summary, the available evidence is currently insufficient to determine the role of this variant in disease. Therefore, it has been classified as a Variant of Uncertain Significance. Advanced modeling of protein sequence and biophysical properties (such as structural, functional, and spatial information, amino acid conservation, physicochemical variation, residue mobility, and thermodynamic stability) performed at Invitae indicates that this missense variant is expected to disrupt SCN1A protein function. ClinVar contains an entry for this variant (Variation ID: 574975). This missense change has been observed in at least one individual who was not affected with SCN1A-related conditions (Invitae). This variant has not been reported in the literature in individuals affected with SCN1A-related conditions.

NM_001165963.4(SCN1A):c.3368A>C (p.Asp1123Ala)

Genes: SCN1A (sodium voltage-gated channel alpha subunit 1; minus strand), LOC102724058 (uncharacterized LOC102724058; plus strand). Cytogenetic location: 2q24.3.
Variant type: single nucleotide variant.
Coding change: c.3368A>C on transcript NM_001165963.4 (MANE Select); coding-DNA position 3368, A replaced by C.
Protein change: p.Asp1123Ala; replaces aspartic acid 1123 with alanine.
Molecular consequence: missense variant. On other transcripts: non-coding transcript variant (2).
Genome position (GRCh38, 1-based): chr2:166,036,109, T>G on the plus strand (A>C on the coding strand, the complement: SCN1A is on the minus strand). VCF-style: chr2-166036109-T-G. GRCh37 (hg19) VCF-style: chr2-166892619-T-G.
Other names: c.3284A>C, p.Asp1095Ala (NM_001165964.3, NM_001353957.2, NM_001353958.2); c.3368A>C, p.Asp1123Ala (NM_001202435.3, NM_001353948.2); c.3335A>C, p.Asp1112Ala (NM_001353949.2, NM_001353950.2, NM_001353951.2 and 2 more transcripts); c.3332A>C, p.Asp1111Ala (NM_001353954.2, NM_001353955.2); c.3281A>C, p.Asp1094Ala (NM_001353960.2); c.926A>C, p.Asp309Ala (NM_001353961.2); short protein forms D1112A, D1123A, D1095A, D309A, D1094A, D1111A.
Identifiers: ClinVar variation 574975 (VCV000574975.10), dbSNP rs1559192797, ClinGen allele CA349059212.